The following is an entry in ClinVar:

NM_206883.2(SLC26A5):c.292+8_292+9dup

Gene: SLC26A5 (solute carrier family 26 member 5; minus strand). Cytogenetic location: 7q22.1.
Variant type: Duplication.
Coding change: c.292+8_292+9dup on transcript NM_206883.2; bases 8 to 9 of the intron after coding-DNA position 292, 2 bases duplicated (GA; older notation c.292+8_292+9dupGA).
Molecular consequence: intron variant (on NM_198999.3).
Genome position (GRCh38, 1-based): chr7:103,420,729-103,420,730, TC duplicated on the plus strand (GA on the coding strand, the reverse complement: SLC26A5 is on the minus strand); duplicating any 2 consecutive bases within chr7:103,420,729-103,420,731 gives the same sequence; the c. name uses the placement nearest the transcript's 3' end. VCF-style (leftmost placement, unchanged base first): chr7-103420728-A-ATC. GRCh37 (hg19) VCF-style: chr7-103061175-A-ATC.
Other names: NM_206883.2:c.292+8_292+9dupGA; c.292+8_292+9dup (NM_206885.3, NM_001321787.2, NM_206884.3 and 3 more transcripts); c.292+8_292+9dupGA (NM_198999.2).
Identifiers: ClinVar variation 48338 (VCV000048338.49), dbSNP rs112791865, ClinGen allele CA143207.

ClinVar aggregate classification (germline): Benign/Likely benign. Review status: criteria provided, multiple submitters, no conflicts (2 of 4 stars). 7 submissions from 7 submitters: Benign (5); Likely benign (2). Last evaluated 2026-01-08.

Conditions:
SLC26A5-related disorder. Also called: SLC26A5-related condition.

Submissions (7):

Labcorp Genetics (formerly Invitae), Labcorp
Classification: Benign. Last evaluated: 2026-01-08. Review status: criteria provided, single submitter. Criteria: Invitae Variant Classification Sherloc (09022015). Collection method: clinical testing. Allele origin: germline.

PreventionGenetics, part of Exact Sciences
Classification: Benign for SLC26A5-related condition. Last evaluated: 2025-02-06. Review status: criteria provided, single submitter. Criteria: ACMG Guidelines, 2015. Collection method: clinical testing. Allele origin: germline.
Comment: This variant is classified as benign based on ACMG/AMP sequence variant interpretation guidelines (Richards et al. 2015 PMID: 25741868, with internal and published modifications).

Blueprint Genetics
Classification: Likely benign. Last evaluated: 2024-10-03. Review status: criteria provided, single submitter. Criteria: ACMG Guidelines, 2015. Collection method: clinical testing. Allele origin: germline.

CeGaT Center for Human Genetics Tuebingen
Classification: Benign. Last evaluated: 2022-07-01. Review status: criteria provided, single submitter. Criteria: CeGaT Center For Human Genetics Tuebingen Variant Classification Criteria Version 2. Collection method: clinical testing. Allele origin: germline. Affected: yes. Observed: 1 variant allele.
Comment: SLC26A5: BS1, BS2

GeneDx
Classification: Benign. Last evaluated: 2019-02-05. Review status: criteria provided, single submitter. Criteria: GeneDx Variant Classification Process June 2021. Collection method: clinical testing. Allele origin: germline. Affected: yes.

Eurofins Ntd Llc (ga)
Classification: Benign. Last evaluated: 2016-08-03. Review status: criteria provided, single submitter. Criteria: EGL Classification Definitions. Collection method: clinical testing. Allele origin: germline. Observed: 1 variant allele, 1 heterozygote.

Laboratory for Molecular Medicine, Mass General Brigham Personalized Medicine
Classification: Likely benign. Last evaluated: 2012-04-30. Review status: criteria provided, single submitter. Criteria: LMM Criteria. Collection method: clinical testing. Allele origin: germline. Observed: 1 variant allele.
Comment: 292+8_292+9dupGA in Intron 04 of SLC26A5: This variant is not expected to have c linical significance because it is not located within the conserved splice conse nsus sequence and has been identified in 25.0% (1/4) of chromosomes from a popul ation in the dbSNP database (rs1127918 65).